The following is an entry in ClinVar:

NM_020822.3(KCNT1):c.2914A>G (p.Ile972Val)

Gene: KCNT1 (potassium sodium-activated channel subfamily T member 1; plus strand). Cytogenetic location: 9q34.3.
Variant type: single nucleotide variant.
Coding change: c.2914A>G on transcript NM_020822.3 (MANE Select); coding-DNA position 2914, A replaced by G.
Protein change: p.Ile972Val; replaces isoleucine 972 with valine.
Molecular consequence: missense variant.
Genome position (GRCh38, 1-based): chr9:135,784,096, A>G. VCF-style: chr9-135784096-A-G. GRCh37 (hg19) VCF-style: chr9-138675942-A-G.
Other names: c.2779A>G, p.Ile927Val (NM_001272003.2); short protein forms I927V, I972V.
Identifiers: ClinVar variation 3754767 (VCV003754767.2).

ClinVar aggregate classification (germline): Uncertain significance (1 of 4 stars; one submission).

Conditions:
Autosomal dominant nocturnal frontal lobe epilepsy 5. Also called: KCNT1-Related Epilepsy; CILIARY DYSKINESIA, PRIMARY, 28, WITHOUT SITUS INVERSUS; CILIARY DYSKINESIA, PRIMARY, 28, WITH SITUS INVERSUS; Epilepsy, nocturnal frontal lobe, 5. Identifiers: Orphanet 98784, MedGen C3554306, MONDO:0014002, OMIM 615005.
Developmental and epileptic encephalopathy, 14 (DEE14). Also called: Early infantile epileptic encephalopathy 14. Identifiers: Orphanet 293181, MedGen C3554195, MONDO:0013989, OMIM 614959.

gnomAD v4.1: 9 of 1,605,328 alleles (0.00056%); highest among the groups gnomAD compares: Non-Finnish European, 0.00051%; no homozygotes.

Submission:

Labcorp Genetics (formerly Invitae), Labcorp
Classification: Uncertain significance for Autosomal dominant nocturnal frontal lobe epilepsy 5; Developmental and epileptic encephalopathy, 14. Last evaluated: 2025-01-08. Review status: criteria provided, single submitter. Criteria: Invitae Variant Classification Sherloc (09022015). Collection method: clinical testing. Allele origin: germline.
Comment: This sequence change replaces isoleucine, which is neutral and non-polar, with valine, which is neutral and non-polar, at codon 972 of the KCNT1 protein (p.Ile972Val). This variant is present in population databases (no rsID available, gnomAD 0.03%). This variant has not been reported in the literature in individuals affected with KCNT1-related conditions. Invitae Evidence Modeling of protein sequence and biophysical properties (such as structural, functional, and spatial information, amino acid conservation, physicochemical variation, residue mobility, and thermodynamic stability) indicates that this missense variant is not expected to disrupt KCNT1 protein function with a negative predictive value of 80%. In summary, the available evidence is currently insufficient to determine the role of this variant in disease. Therefore, it has been classified as a Variant of Uncertain Significance.